The following is an entry in ClinVar:

ClinVar aggregate classification (germline): Uncertain significance (1 of 4 stars; one submission).

Conditions:
Hereditary cancer-predisposing syndrome. Also called: Neoplastic Syndromes, Hereditary; Hereditary Cancer Syndrome; Hereditary neoplastic syndrome; Tumor predisposition. Identifiers: Orphanet 140162, MedGen C0027672, MeSH D009386, MONDO:0015356.

Submission:

Ambry Genetics
Classification: Uncertain significance for Hereditary cancer-predisposing syndrome. Last evaluated: 2023-03-19. Review status: criteria provided, single submitter. Criteria: Ambry Variant Classification Scheme 2023. Collection method: clinical testing. Allele origin: germline.
Comment: The p.V212L variant (also known as c.634G>C), located in coding exon 4 of the NTHL1 gene, results from a G to C substitution at nucleotide position 634. The valine at codon 212 is replaced by leucine, an amino acid with highly similar properties. This amino acid position is conserved. In addition, this alteration is predicted to be tolerated by in silico analysis. Since supporting evidence is limited at this time, the clinical significance of this alteration remains unclear.

NM_002528.7(NTHL1):c.610G>C (p.Val204Leu)

Gene: NTHL1 (nth like DNA glycosylase 1; minus strand). Cytogenetic location: 16p13.3.
Variant type: single nucleotide variant.
Coding change: c.610G>C on transcript NM_002528.7 (MANE Select); coding-DNA position 610, G replaced by C.
Protein change: p.Val204Leu; replaces valine 204 with leucine.
Molecular consequence: missense variant.
Genome position (GRCh38, 1-based): chr16:2,043,642, C>G on the plus strand (G>C on the coding strand, the complement: NTHL1 is on the minus strand). VCF-style: chr16-2043642-C-G. GRCh37 (hg19) VCF-style: chr16-2093643-C-G.
Other names: c.439G>C, p.Val147Leu (NM_001318193.2); c.280G>C, p.Val94Leu (NM_001318194.2); short protein forms V94L, V147L, V204L.
Identifiers: ClinVar variation 2560866 (VCV002560866.2), dbSNP rs2548315088, ClinGen allele CA394291512.